The following is an entry in ClinVar:

NM_013436.5(NCKAP1):c.589G>C (p.Val197Leu)

Gene: NCKAP1 (NCK associated protein 1; minus strand). Cytogenetic location: 2q32.1.
Variant type: single nucleotide variant.
Coding change: c.589G>C on transcript NM_013436.5 (MANE Select); coding-DNA position 589, G replaced by C.
Protein change: p.Val197Leu; replaces valine 197 with leucine.
Molecular consequence: missense variant.
Genome position (GRCh38, 1-based): chr2:183,001,967, C>G on the plus strand (G>C on the coding strand, the complement: NCKAP1 is on the minus strand). VCF-style: chr2-183001967-C-G. GRCh37 (hg19) VCF-style: chr2-183866695-C-G.
Other names: c.607G>C, p.Val203Leu (NM_205842.3); short protein forms V197L, V203L.
Identifiers: ClinVar variation 2501507 (VCV002501507.2), dbSNP rs2468680609, ClinGen allele CA349754822.
Genomic context (GRCh38, chr2:183,001,967, plus strand): 5'-TATGTTATATGCCCATTCTCTCATATGCCTAACAACTGCCTCTTACCTTGCTATGGGGTA[C>G]AAATTCTTCCATCATCTTCTTTAAAGGGTTTTCATAATCCACAATCATCTGGCCAAGGCG-3'
Protein context (NP_038464.1, residues 187-207): NPLKKMMEEF[Val197Leu]PHSKSLSDAL

ClinVar aggregate classification (germline): Uncertain significance (1 of 4 stars; one submission).

Submission:

GeneDx
Classification: Uncertain significance. Last evaluated: 2025-12-17. Review status: criteria provided, single submitter. Criteria: GeneDx Variant Classification Process June 2021. Collection method: clinical testing. Allele origin: germline. Affected: yes.
Comment: Has not been previously published as pathogenic or benign to our knowledge; Not observed at significant frequency in large population cohorts (gnomAD); In silico analysis suggests that this missense variant does not alter protein structure/function